The following is an entry in ClinVar:

ClinVar aggregate classification (germline): Uncertain significance (1 of 4 stars; one submission).

Conditions:
Myopathy, tubular aggregate, 2 (TAM2). Identifiers: MedGen C4014557, MONDO:0014383, OMIM 615883.
Combined immunodeficiency due to ORAI1 deficiency. Also called: IMMUNODEFICIENCY 9. Identifiers: Orphanet 169090, Orphanet 317428, MedGen C2748568, MONDO:0013007, OMIM 612782.

Submission:

Labcorp Genetics (formerly Invitae), Labcorp
Classification: Uncertain significance for Myopathy, tubular aggregate, 2; Combined immunodeficiency due to ORAI1 deficiency. Last evaluated: 2024-05-28. Review status: criteria provided, single submitter. Criteria: Invitae Variant Classification Sherloc (09022015). Collection method: clinical testing. Allele origin: germline.
Comment: This sequence change replaces proline, which is neutral and non-polar, with glutamine, which is neutral and polar, at codon 3 of the ORAI1 protein (p.Pro3Gln). The frequency data for this variant in the population databases is considered unreliable, as metrics indicate insufficient coverage at this position in the gnomAD database. This variant has not been reported in the literature in individuals affected with ORAI1-related conditions. Experimental studies and prediction algorithms are not available or were not evaluated, and the functional significance of this variant is currently unknown. In summary, the available evidence is currently insufficient to determine the role of this variant in disease. Therefore, it has been classified as a Variant of Uncertain Significance.

NC_000012.12:g.121626750C>A

Genes: ORAI1 (ORAI calcium release-activated calcium modulator 1; plus strand), LOC130008987 (ATAC-STARR-seq lymphoblastoid silent region 4981; plus strand). Cytogenetic location: 12q24.31.
Variant type: single nucleotide variant.
Molecular consequence: non-coding transcript variant (on NR_186857.1).
Genome position: GRCh38 VCF-style: chr12-121626750-C-A. GRCh37 (hg19) VCF-style: chr12-122064655-C-A.
Identifiers: ClinVar variation 3763264 (VCV003763264.2).